The following is an entry in ClinVar:

NM_177438.3(DICER1):c.1377-3T>C

Gene: DICER1 (dicer 1, ribonuclease III; minus strand). Cytogenetic location: 14q32.13.
Variant type: single nucleotide variant.
Coding change: c.1377-3T>C on transcript NM_177438.3 (MANE Select); 3 bases into the intron before coding-DNA position 1377, T replaced by C.
Molecular consequence: intron variant.
Genome position (GRCh38, 1-based): chr14:95,117,757, A>G on the plus strand (T>C on the coding strand, the complement: DICER1 is on the minus strand). VCF-style: chr14-95117757-A-G. GRCh37 (hg19) VCF-style: chr14-95584094-A-G.
Other names: c.1377-3T>C (NM_001291628.2, NM_030621.4, NM_001271282.3 and 1 more transcripts).
Identifiers: ClinVar variation 543638 (VCV000543638.13), dbSNP rs1555373265, ClinGen allele CA658798258.

ClinVar aggregate classification (germline): Uncertain significance. Review status: criteria provided, multiple submitters, no conflicts (2 of 4 stars). 2 submissions from 2 submitters: Uncertain significance (2). Last evaluated 2023-06-12.

Conditions:
Hereditary cancer-predisposing syndrome. Also called: Neoplastic Syndromes, Hereditary; Tumor predisposition; Hereditary Cancer Syndrome; Hereditary neoplastic syndrome. Identifiers: Orphanet 140162, MedGen C0027672, MeSH D009386, MONDO:0015356.
DICER1-related tumor predisposition. Also called: DICER1-related pleuropulmonary blastoma cancer predisposition syndrome; DICER1 syndrome. Identifiers: Orphanet 284343, MedGen C3839822, MONDO:0100216.

Allele frequency attached by ClinVar (database versions not stated): gnomAD exomes below 0.00001.
gnomAD v4.1: 2 of 1,613,750 alleles (0.00012%); highest among the groups gnomAD compares: Non-Finnish European, 0.00017%; no homozygotes.

Submissions (2):

Ambry Genetics
Classification: Uncertain significance for Hereditary cancer-predisposing syndrome. Last evaluated: 2023-06-12. Review status: criteria provided, single submitter. Criteria: Ambry Variant Classification Scheme 2023. Collection method: clinical testing. Allele origin: germline.
Comment: The c.1377-3T>C intronic variant results from a T to C substitution 3 nucleotides upstream from coding exon 8 in the DICER1 gene. This nucleotide position is not well conserved in available vertebrate species. In silico splice site analysis predicts that this alteration will not have any significant effect on splicing. Since supporting evidence is limited at this time, the clinical significance of this alteration remains unclear.

Labcorp Genetics (formerly Invitae), Labcorp
Classification: Uncertain significance for DICER1-related tumor predisposition. Last evaluated: 2019-06-11. Review status: criteria provided, single submitter. Criteria: Invitae Variant Classification Sherloc (09022015). Collection method: clinical testing. Allele origin: germline.
Comment: This sequence change falls in intron 8 of the DICER1 gene. It does not directly change the encoded amino acid sequence of the DICER1 protein, but it affects a nucleotide within the consensus splice site of the intron. In summary, the available evidence is currently insufficient to determine the role of this variant in disease. Therefore, it has been classified as a Variant of Uncertain Significance. Nucleotide substitutions within the consensus splice site are a relatively common cause of aberrant splicing (PMID: 17576681, 9536098). This variant has not been reported in the literature in individuals with DICER1-related disease. This variant is not present in population databases (ExAC no frequency).

Literature cited by the submitters: PubMed 17576681 (cited by Labcorp Genetics (formerly Invitae), Labcorp); PubMed 9536098 (cited by Labcorp Genetics (formerly Invitae), Labcorp).